The following is an entry in ClinVar:

NM_000552.5(VWF):c.7056C>A (p.Gly2352=)

Gene: VWF (von Willebrand factor; minus strand). Cytogenetic location: 12p13.31.
Variant type: single nucleotide variant.
Coding change: c.7056C>A on transcript NM_000552.5 (MANE Select); coding-DNA position 7056, C replaced by A.
Protein change: p.Gly2352=; no amino-acid change (glycine 2352 retained).
Molecular consequence: synonymous variant.
Genome position (GRCh38, 1-based): chr12:5,983,175, G>T on the plus strand (C>A on the coding strand, the complement: VWF is on the minus strand). VCF-style: chr12-5983175-G-T. GRCh37 (hg19) VCF-style: chr12-6092341-G-T.
Identifiers: ClinVar variation 4822412 (VCV004822412.4).

ClinVar aggregate classification (germline): Likely benign (1 of 4 stars; one submission).

Submission:

CeGaT Center for Human Genetics Tuebingen
Classification: Likely benign. Last evaluated: 2026-02-01. Review status: criteria provided, single submitter. Criteria: CeGaT Center For Human Genetics Tuebingen Variant Classification Criteria Version 2. Collection method: clinical testing. Allele origin: germline. Affected: yes. Observed: 1 variant allele.
Comment: VWF: PM2:Supporting, BP4, BP7